The following is an entry in ClinVar:

ClinVar aggregate classification (germline): Pathogenic/Likely pathogenic. Review status: criteria provided, multiple submitters, no conflicts (2 of 4 stars). 4 submissions from 4 submitters: Pathogenic (2); Likely pathogenic (1). 1 of the submissions does not count toward it. Last evaluated 2026-01-25.

Conditions:
Junctional epidermolysis bullosa gravis of Herlitz. Also called: EPIDERMOLYSIS BULLOSA JUNCTIONALIS, HERLITZ TYPE; EPIDERMOLYSIS BULLOSA, JUNCTIONAL, HERLITZ-PEARSON TYPE; Epidermolysis Bullosa Letalis; Herlitz-type junctional epidermolysis bullosa; EPIDERMOLYSIS BULLOSA, JUNCTIONAL 1B, SEVERE; JEB-HERLITZ TYPE. Identifiers: Orphanet 79404, MedGen C0079683, MONDO:0009182, OMIM 226700.
Junctional epidermolysis bullosa. Identifiers: Orphanet 305, MedGen C0079301, MONDO:0017612.
Epidermolysis bullosa, junctional 2B, severe. Also called: EPIDERMOLYSIS BULLOSA, JUNCTIONAL 2B, GENERALIZED SEVERE; EPIDERMOLYSIS BULLOSA, JUNCTIONAL 2B, HERLITZ TYPE. Identifiers: MedGen C5676937, MONDO:0030747, OMIM 619784.

Allele frequency attached by ClinVar (database versions not stated): gnomAD 0.00001; gnomAD exomes 0.00001 and 0.00002; ExAC 0.00002; TOPMed 0.00002.
gnomAD v4.1: 19 of 1,613,438 alleles (0.0012%); highest among the groups gnomAD compares: Admixed American, 0.0033%; no homozygotes.

Submissions (4):

Labcorp Genetics (formerly Invitae), Labcorp
Classification: Pathogenic. Last evaluated: 2026-01-25. Review status: criteria provided, single submitter. Criteria: Invitae Variant Classification Sherloc (09022015). Collection method: clinical testing. Allele origin: germline.
Comment: This sequence change creates a premature translational stop signal (p.Arg1126*) in the LAMA3 gene. It is expected to result in an absent or disrupted protein product. Loss-of-function variants in LAMA3 are known to be pathogenic (PMID: 10366601, 11810295, 12915477, 16473856, 17362460, 22434185, 23869449, 27827380, 28087116). This variant is present in population databases (rs774133746, gnomAD 0.006%). This premature translational stop signal has been observed in individual(s) with clinical features of junctional epidermolysis bullosa (PMID: 22434185). ClinVar contains an entry for this variant (Variation ID: 370076). For these reasons, this variant has been classified as Pathogenic.

Women's Health and Genetics/Laboratory Corporation of America, LabCorp
Classification: Likely pathogenic for Junctional epidermolysis bullosa. Last evaluated: 2022-08-12. Review status: criteria provided, single submitter. Criteria: LabCorp Variant Classification Summary - May 2015. Collection method: clinical testing. Allele origin: germline.
Comment: Variant summary: LAMA3 c.3376C>T (p.Arg1126X) results in a premature termination codon, predicted to cause a truncation of the encoded protein or absence of the protein due to nonsense mediated decay, which are commonly known mechanisms for disease. Truncations downstream of this position have been observed in the HGMD database. The variant allele was found at a frequency of 2e-05 in 251244 control chromosomes. c.3376C>T has been reported in the literature as a compound heterozygous genotype in at-least one individual affected with Junctional Epidermolysis Bullosa, non-Herlitz (example, Yuen_2012). Three clinical diagnostic laboratories have submitted clinical-significance assessments for this variant to ClinVar after 2014 without evidence for independent evaluation. All laboratories classified the variant as pathogenic/likely pathogenic. Based on the evidence outlined above, the variant was classified as likely pathogenic.

Kasturba Medical College, Manipal, Kasturba Medical College, Manipal, Manipal Academy of Higher Education, Manipal, India
Classification: Pathogenic for Epidermolysis bullosa, junctional 2B, severe. Last evaluated: 2022-05-17. Review status: criteria provided, single submitter. Criteria: ACMG Guidelines, 2015. Collection method: clinical testing. Allele origin: germline. Affected: yes.

Counsyl
Classification: Likely pathogenic for Junctional epidermolysis bullosa gravis of Herlitz. Last evaluated: 2016-11-03. Review status: no assertion criteria provided. Collection method: clinical testing. Allele origin: unknown. Not counted in ClinVar's aggregate classification.

Literature cited by the submitters: PubMed 10366601 (cited by Labcorp Genetics (formerly Invitae), Labcorp); PubMed 11810295 (cited by Labcorp Genetics (formerly Invitae), Labcorp); PubMed 12915477 (cited by Labcorp Genetics (formerly Invitae), Labcorp); PubMed 16473856 (cited by Labcorp Genetics (formerly Invitae), Labcorp); PubMed 17362460 (cited by Labcorp Genetics (formerly Invitae), Labcorp); PubMed 22434185 (cited by 3 submitters); PubMed 23869449 (cited by Labcorp Genetics (formerly Invitae), Labcorp); PubMed 27827380 (cited by Labcorp Genetics (formerly Invitae), Labcorp); PubMed 28087116 (cited by Labcorp Genetics (formerly Invitae), Labcorp).

NM_198129.4(LAMA3):c.8203C>T (p.Arg2735Ter)

Gene: LAMA3 (laminin subunit alpha 3; plus strand). Cytogenetic location: 18q11.2.
Variant type: single nucleotide variant.
Coding change: c.8203C>T on transcript NM_198129.4 (MANE Select); coding-DNA position 8203, C replaced by T.
Protein change: p.Arg2735Ter; replaces arginine 2735 with a stop codon.
Molecular consequence: nonsense.
Genome position (GRCh38, 1-based): chr18:23,928,148, C>T. VCF-style: chr18-23928148-C-T. GRCh37 (hg19) VCF-style: chr18-21508112-C-T.
Other names: c.3376C>T, p.Arg1126Ter (NM_000227.6); c.8035C>T, p.Arg2679Ter (NM_001127717.4); c.3208C>T, p.Arg1070Ter (NM_001127718.4); c.3376C>T (NM_000227.4); short protein forms R1126*, R2735*, R1070*, R2679*.
Identifiers: ClinVar variation 370076 (VCV000370076.14), dbSNP rs774133746, ClinGen allele CA8916873.